The following is an entry in ClinVar:

NM_014801.4(PCNX2):c.2929A>G (p.Thr977Ala)

Gene: PCNX2 (pecanex 2; minus strand). Cytogenetic location: 1q42.2.
Variant type: single nucleotide variant.
Coding change: c.2929A>G on transcript NM_014801.4 (MANE Select); coding-DNA position 2929, A replaced by G.
Protein change: p.Thr977Ala; replaces threonine 977 with alanine.
Molecular consequence: missense variant.
Genome position (GRCh38, 1-based): chr1:233,200,199, T>C on the plus strand (A>G on the coding strand, the complement: PCNX2 is on the minus strand). VCF-style: chr1-233200199-T-C. GRCh37 (hg19) VCF-style: chr1-233335945-T-C.
Other names: short protein forms T977A.
Identifiers: ClinVar variation 2640087 (VCV002640087.24), dbSNP rs200562385, ClinGen allele CA1457801.

ClinVar aggregate classification (germline): Likely benign (1 of 4 stars; one submission).

Allele frequency attached by ClinVar (database versions not stated): ExAC 0.00090; 1000 Genomes Project 30x 0.00109; 1000 Genomes Project 0.00120; ESP Exome Variant Server 0.00126; gnomAD 0.00147; TOPMed 0.00183.
gnomAD v4.1: 420 of 1,595,866 alleles (0.026%); highest among the groups gnomAD compares: African/African-American, 0.5%; no homozygotes.

Submission:

CeGaT Center for Human Genetics Tuebingen
Classification: Likely benign. Last evaluated: 2022-05-01. Review status: criteria provided, single submitter. Criteria: CeGaT Center For Human Genetics Tuebingen Variant Classification Criteria Version 2. Collection method: clinical testing. Allele origin: germline. Affected: yes. Observed: 1 variant allele.
Comment: PCNX2: BP4